The following is an entry in ClinVar:

ClinVar aggregate classification (germline): Uncertain significance (1 of 4 stars; one submission).

Conditions:
Familial cancer of breast. Also called: BREAST CANCER, FAMILIAL; hereditary breast carcinoma; Hereditary breast cancer. Identifiers: Orphanet 227535, MedGen C0346153, MONDO:0016419, OMIM 114480. Disease mechanism: loss of function.
Fanconi anemia complementation group J. Also called: BRIP1-Related Fanconi Anemia. Identifiers: Orphanet 84, MedGen C1836860, MONDO:0012187, OMIM 609054.

Submission:

Labcorp Genetics (formerly Invitae), Labcorp
Classification: Uncertain significance for Familial cancer of breast; Fanconi anemia complementation group J. Last evaluated: 2020-12-20. Review status: criteria provided, single submitter. Criteria: Invitae Variant Classification Sherloc (09022015). Collection method: clinical testing. Allele origin: germline.
Comment: In summary, the available evidence is currently insufficient to determine the role of this variant in disease. Therefore, it has been classified as a Variant of Uncertain Significance. Algorithms developed to predict the effect of missense changes on protein structure and function (SIFT, PolyPhen-2, Align-GVGD) all suggest that this variant is likely to be tolerated, but these predictions have not been confirmed by published functional studies and their clinical significance is uncertain. This variant has not been reported in the literature in individuals with BRIP1-related conditions. This variant is not present in population databases (ExAC no frequency). This sequence change replaces serine with proline at codon 230 of the BRIP1 protein (p.Ser230Pro). The serine residue is weakly conserved and there is a moderate physicochemical difference between serine and proline.

NM_032043.3(BRIP1):c.688T>C (p.Ser230Pro)

Gene: BRIP1 (BRCA1 interacting DNA helicase 1; minus strand). Cytogenetic location: 17q23.2.
Variant type: single nucleotide variant.
Coding change: c.688T>C on transcript NM_032043.3 (MANE Select); coding-DNA position 688, T replaced by C.
Protein change: p.Ser230Pro; replaces serine 230 with proline.
Molecular consequence: missense variant.
Genome position (GRCh38, 1-based): chr17:61,808,697, A>G on the plus strand (T>C on the coding strand, the complement: BRIP1 is on the minus strand). VCF-style: chr17-61808697-A-G. GRCh37 (hg19) VCF-style: chr17-59886058-A-G.
Other names: short protein forms S230P.
Identifiers: ClinVar variation 1358077 (VCV001358077.9), dbSNP rs2145421148, ClinGen allele CA400485122.